The following is an entry in ClinVar:

ClinVar aggregate classification (germline): Uncertain significance (1 of 4 stars; one submission).

Conditions:
Arrhythmogenic right ventricular cardiomyopathy (ARVD). Also called: Arrhythmogenic right ventricular dysplasia; Cardiomyopathy, ARVC; Arrhythmogenic cardiomyopathy; Arrhythmogenic Right Ventricular Cardiomyopathy (ARVC). Identifiers: Orphanet 247, MedGen C0349788, MeSH D019571, MONDO:0016587. Disease mechanism: loss of function. Inheritance: Various modes of inheritance.

Submission:

All of Us Research Program, National Institutes of Health
Classification: Uncertain significance for Arrhythmogenic right ventricular cardiomyopathy. Last evaluated: 2023-11-20. Review status: criteria provided, single submitter. Criteria: ACMG Guidelines, 2015. Collection method: clinical testing. Allele origin: germline. Inheritance: Autosomal dominant inheritance. Observed: 1 variant allele, 1 heterozygote.
Comment: This missense variant replaces alanine with threonine at codon 418 of the PKP2 protein. Computational prediction suggests that this variant may have deleterious impact on protein structure and function (internally defined REVEL score threshold >= 0.7, PMID: 27666373). To our knowledge, functional studies have not been reported for this variant. This variant has not been reported in individuals affected with PKP2-related disorders in the literature. This variant has not been identified in the general population by the Genome Aggregation Database (gnomAD). The available evidence is insufficient to determine the role of this variant in disease conclusively. Therefore, this variant is classified as a Variant of Uncertain Significance.

This study involves interpretation of variants in research participants for the purpose of population health screening. Participant phenotype was not available at the time of variant classification. Additional details can be found in publication PMID: 35346344, PMCID: PMC8962531

NM_001005242.3(PKP2):c.1252G>A (p.Ala418Thr)

Gene: PKP2 (plakophilin 2; minus strand). Cytogenetic location: 12p11.21.
Variant type: single nucleotide variant.
Coding change: c.1252G>A on transcript NM_001005242.3 (MANE Select); coding-DNA position 1252, G replaced by A.
Protein change: p.Ala418Thr; replaces alanine 418 with threonine.
Molecular consequence: missense variant.
Genome position (GRCh38, 1-based): chr12:32,850,892, C>T on the plus strand (G>A on the coding strand, the complement: PKP2 is on the minus strand). VCF-style: chr12-32850892-C-T. GRCh37 (hg19) VCF-style: chr12-33003826-C-T.
Other names: c.1252G>A, p.Ala418Thr (NM_001407155.1, NM_001407156.1, NM_001407157.1 and 2 more transcripts); c.925G>A, p.Ala309Thr (NM_001407158.1, NM_001407159.1, NM_001407160.1 and 1 more transcripts); short protein forms A309T, A418T.
Identifiers: ClinVar variation 3074467 (VCV003074467.1), dbSNP rs2541286527, ClinGen allele CA384370484.